The following is an entry in ClinVar:

NC_000012.11:g.(?_88472849)_(88535092_?)del

Gene: CEP290 (centrosomal protein 290; minus strand). Cytogenetic location: 12q21.32.
Variant type: Deletion.
Identifiers: ClinVar variation 3244269 (VCV003244269.1).

ClinVar aggregate classification (germline): Pathogenic (1 of 4 stars; one submission).

Conditions:
Joubert syndrome. Also called: CEREBELLOPARENCHYMAL DISORDER IV; JOUBERT-BOLTSHAUSER SYNDROME; Familial aplasia of the vermis. Identifiers: Orphanet 475, MedGen C5979921, MONDO:0018772.
Nephronophthisis. Also called: Juvenile Nephronophthisis. Identifiers: Orphanet 655, MedGen C0687120, MONDO:0019005, HP:0000090.
Meckel-Gruber syndrome. Also called: DYSENCEPHALIA SPLANCHNOCYSTICA; GRUBER SYNDROME; Dysencephalia splachnocystica. Identifiers: Orphanet 564, MedGen C0265215, MONDO:0018921.

Submission:

Labcorp Genetics (formerly Invitae), Labcorp
Classification: Pathogenic for Joubert syndrome; Meckel-Gruber syndrome; Nephronophthisis. Last evaluated: 2023-05-13. Review status: criteria provided, single submitter. Criteria: Invitae Variant Classification Sherloc (09022015). Collection method: clinical testing. Allele origin: unknown.
Comment: For these reasons, this variant has been classified as Pathogenic. This variant has not been reported in the literature in individuals affected with CEP290-related conditions. This variant is a gross deletion of the genomic region encompassing exon(s) 2-39 of the CEP290 gene, which includes the initiator codon. This deletion extends beyond the assayed region for this gene and therefore may encompass additional genes. It is expected to result in an absent or disrupted protein product. Loss-of-function variants in CEP290 are known to be pathogenic (PMID: 16909394, 17345604, 20690115).

Literature cited by the submitters: PubMed 16909394; PubMed 17345604; PubMed 20690115.